The following is an entry in ClinVar:

NM_001199799.2(ILDR1):c.662G>A (p.Arg221His)

Gene: ILDR1 (immunoglobulin like domain containing receptor 1; minus strand). Cytogenetic location: 3q13.33.
Variant type: single nucleotide variant.
Coding change: c.662G>A on transcript NM_001199799.2 (MANE Select); coding-DNA position 662, G replaced by A.
Protein change: p.Arg221His; replaces arginine 221 with histidine.
Molecular consequence: missense variant. On other transcripts: intron variant (1).
Genome position (GRCh38, 1-based): chr3:121,994,298, C>T on the plus strand (G>A on the coding strand, the complement: ILDR1 is on the minus strand). VCF-style: chr3-121994298-C-T. GRCh37 (hg19) VCF-style: chr3-121713145-C-T.
Other names: c.662G>A (NM_001199799.1); c.395G>A, p.Arg132His (NM_001199800.2); c.647-328G>A (NM_175924.4); short protein forms R221H, R132H.
Identifiers: ClinVar variation 2058528 (VCV002058528.2), dbSNP rs1014385783, ClinGen allele CA82735931.

ClinVar aggregate classification (germline): Uncertain significance. Review status: criteria provided, multiple submitters, no conflicts (2 of 4 stars). 2 submissions from 2 submitters: Uncertain significance (2). Last evaluated 2025-03-28.

Allele frequency attached by ClinVar (database versions not stated): gnomAD 0.00006; gnomAD exomes 0.00007; TOPMed 0.00014.
gnomAD v4.1: 113 of 1,534,954 alleles (0.0074%); highest among the groups gnomAD compares: African/African-American, 0.021%; no homozygotes.

Submissions (2):

GeneDx
Classification: Uncertain significance. Last evaluated: 2025-03-28. Review status: criteria provided, single submitter. Criteria: GeneDx Variant Classification Process June 2021. Collection method: clinical testing. Allele origin: germline. Affected: yes.
Comment: In silico analysis indicates that this missense variant does not alter protein structure/function; Has not been previously published as pathogenic or benign to our knowledge

Labcorp Genetics (formerly Invitae), Labcorp
Classification: Uncertain significance. Last evaluated: 2022-03-26. Review status: criteria provided, single submitter. Criteria: Invitae Variant Classification Sherloc (09022015). Collection method: clinical testing. Allele origin: germline.
Comment: This sequence change replaces arginine, which is basic and polar, with histidine, which is basic and polar, at codon 221 of the ILDR1 protein (p.Arg221His). This variant is present in population databases (no rsID available, gnomAD 0.01%). This variant has not been reported in the literature in individuals affected with ILDR1-related conditions. Algorithms developed to predict the effect of missense changes on protein structure and function are either unavailable or do not agree on the potential impact of this missense change (SIFT: "Deleterious"; PolyPhen-2: "Benign"; Align-GVGD: "Class C0"). In summary, the available evidence is currently insufficient to determine the role of this variant in disease. Therefore, it has been classified as a Variant of Uncertain Significance.